The following is an entry in ClinVar:

ClinVar aggregate classification (germline): Uncertain significance (1 of 4 stars; one submission).

Conditions:
Immunodeficiency 104. Also called: Severe combined immunodeficiency, autosomal recessive, T cell-negative, B cell-positive, NK cell-positive; Severe Combined Immune Deficiency, Autosomal Recessive, TCell -Negative, B Cell-Positive, NK Cell-Positive, IL7R-Related; SCID, AUTOSOMAL RECESSIVE, T CELL-NEGATIVE, B CELL-POSITIVE, NK CELL-POSITIVE; IMMUNODEFICIENCY 104, SEVERE COMBINED. Identifiers: MedGen C5676890, MONDO:0012163, OMIM 608971.

Allele frequency attached by ClinVar (database versions not stated): gnomAD exomes below 0.00001; TOPMed 0.00001.
gnomAD v4.1: 1 of 1,612,642 alleles (0.000062%); highest among the groups gnomAD compares: Non-Finnish European, 0.000085%; no homozygotes.

Submission:

Labcorp Genetics (formerly Invitae), Labcorp
Classification: Uncertain significance for Immunodeficiency 104. Last evaluated: 2022-09-07. Review status: criteria provided, single submitter. Criteria: Invitae Variant Classification Sherloc (09022015). Collection method: clinical testing. Allele origin: germline.
Comment: In summary, the available evidence is currently insufficient to determine the role of this variant in disease. Therefore, it has been classified as a Variant of Uncertain Significance. Algorithms developed to predict the effect of missense changes on protein structure and function (SIFT, PolyPhen-2, Align-GVGD) all suggest that this variant is likely to be disruptive. This sequence change replaces tyrosine, which is neutral and polar, with histidine, which is basic and polar, at codon 373 of the PTPRC protein (p.Tyr373His). This variant is not present in population databases (gnomAD no frequency). This variant has not been reported in the literature in individuals affected with PTPRC-related conditions. ClinVar contains an entry for this variant (Variation ID: 1393432).

NM_002838.5(PTPRC):c.1117T>C (p.Tyr373His)

Gene: PTPRC (protein tyrosine phosphatase receptor type C; plus strand). Cytogenetic location: 1q32.1.
Variant type: single nucleotide variant.
Coding change: c.1117T>C on transcript NM_002838.5 (MANE Select); coding-DNA position 1117, T replaced by C.
Protein change: p.Tyr373His; replaces tyrosine 373 with histidine.
Molecular consequence: missense variant.
Genome position (GRCh38, 1-based): chr1:198,709,770, T>C. VCF-style: chr1-198709770-T-C. GRCh37 (hg19) VCF-style: chr1-198678899-T-C.
Other names: c.634T>C, p.Tyr212His (NM_080921.4); short protein forms Y212H, Y373H.
Identifiers: ClinVar variation 1393432 (VCV001393432.8), dbSNP rs1428550336, ClinGen allele CA344035210.